The following is an entry in ClinVar:

ClinVar aggregate classification (germline): Benign (1 of 4 stars; one submission).

Allele frequency attached by ClinVar (database versions not stated): 1000 Genomes Project 0.00140; 1000 Genomes Project 30x 0.00172; gnomAD exomes 0.00410; TOPMed 0.00447; gnomAD 0.00493 and 0.00501.
gnomAD v4.1: 742 of 152,482 alleles (0.49%); highest among the groups gnomAD compares: Non-Finnish European, 0.76%; 2 homozygotes.

Submission:

GeneDx
Classification: Benign. Last evaluated: 2013-01-14. Review status: criteria provided, single submitter. Criteria: GeneDx Variant Classification (06012015). Collection method: clinical testing. Allele origin: germline. Affected: yes.
Comment: This variant is considered likely benign or benign based on one or more of the following criteria: it is a conservative change, it occurs at a poorly conserved position in the protein, it is predicted to be benign by multiple in silico algorithms, and/or has population frequency not consistent with disease.

NM_153026.3(PRICKLE1):c.-49+19C>T

Gene: PRICKLE1 (prickle planar cell polarity protein 1; minus strand). Cytogenetic location: 12q12.
Variant type: single nucleotide variant.
Coding change: c.-49+19C>T on transcript NM_153026.3 (MANE Select); 19 bases into the intron after 49 bases upstream of the start codon, C replaced by T.
Molecular consequence: intron variant.
Genome position (GRCh38, 1-based): chr12:42,589,446, G>A on the plus strand (C>T on the coding strand, the complement: PRICKLE1 is on the minus strand). VCF-style: chr12-42589446-G-A. GRCh37 (hg19) VCF-style: chr12-42983248-G-A.
Identifiers: ClinVar variation 138809 (VCV000138809.1), dbSNP rs568399443, ClinGen allele CA292915.
Genomic context (GRCh38, chr12:42,589,446, plus strand): 5'-TACCCCTGCGGCGCTCGCCCCCCACCACCGCGCCGCAGCCCCCTCTGCGGAATCCGCCGG[G>A]ATCCAGGCTGCCACTCACCTCGCGCGAGGGAGACGCAACTCGGCTGCACTGTCCTCGGCG-3'